The following is an entry in ClinVar:

ClinVar aggregate classification (germline): Uncertain significance (1 of 4 stars; one submission).

Allele frequency attached by ClinVar (database versions not stated): TOPMed 0.00001; ExAC 0.00002.
gnomAD v4.1: 14 of 1,614,142 alleles (0.00087%); highest among the groups gnomAD compares: Non-Finnish European, 0.00085%; no homozygotes.

Submission:

Labcorp Genetics (formerly Invitae), Labcorp
Classification: Uncertain significance. Last evaluated: 2023-04-08. Review status: criteria provided, single submitter. Criteria: Invitae Variant Classification Sherloc (09022015). Collection method: clinical testing. Allele origin: germline.
Comment: This variant has not been reported in the literature in individuals affected with MYH3-related conditions. This variant is present in population databases (rs761915543, gnomAD 0.004%). This sequence change replaces glutamic acid, which is acidic and polar, with lysine, which is basic and polar, at codon 1579 of the MYH3 protein (p.Glu1579Lys). Advanced modeling of protein sequence and biophysical properties (such as structural, functional, and spatial information, amino acid conservation, physicochemical variation, residue mobility, and thermodynamic stability) performed at Invitae indicates that this missense variant is not expected to disrupt MYH3 protein function. In summary, the available evidence is currently insufficient to determine the role of this variant in disease. Therefore, it has been classified as a Variant of Uncertain Significance.

NM_002470.4(MYH3):c.4735G>A (p.Glu1579Lys)

Gene: MYH3 (myosin heavy chain 3; minus strand). Cytogenetic location: 17p13.1.
Variant type: single nucleotide variant.
Coding change: c.4735G>A on transcript NM_002470.4 (MANE Select); coding-DNA position 4735, G replaced by A.
Protein change: p.Glu1579Lys; replaces glutamic acid 1579 with lysine.
Molecular consequence: missense variant.
Genome position (GRCh38, 1-based): chr17:10,632,697, C>T on the plus strand (G>A on the coding strand, the complement: MYH3 is on the minus strand). VCF-style: chr17-10632697-C-T. GRCh37 (hg19) VCF-style: chr17-10536014-C-T.
Other names: short protein forms E1579K.
Identifiers: ClinVar variation 2723376 (VCV002723376.3), dbSNP rs761915543, ClinGen allele CA8392137.